The following is an entry in ClinVar:

ClinVar aggregate classification (germline): Likely benign. Review status: criteria provided, multiple submitters, no conflicts (2 of 4 stars). 3 submissions from 3 submitters: Likely benign (3). Last evaluated 2026-01-26.

Conditions:
POLD1-related polyposis and colorectal cancer syndrome (CRCS10). Also called: Colorectal cancer, susceptibility to, 10; Colorectal cancer 10; COLORECTAL CANCER, SUSCEPTIBILITY TO, ON CHROMOSOME 19q. Identifiers: Orphanet 220460, MedGen C2675481, MONDO:0012953, OMIM 612591.
Hereditary cancer-predisposing syndrome. Also called: Neoplastic Syndromes, Hereditary; Hereditary neoplastic syndrome; Hereditary Cancer Syndrome; Tumor predisposition. Identifiers: Orphanet 140162, MedGen C0027672, MeSH D009386, MONDO:0015356.

Allele frequency attached by ClinVar (database versions not stated): gnomAD exomes 0.00003; TOPMed 0.00003; gnomAD 0.00004; ExAC 0.00005.
gnomAD v4.1: 54 of 1,521,972 alleles (0.0035%); highest among the groups gnomAD compares: African/African-American, 0.0056%; no homozygotes.

Submissions (3):

Labcorp Genetics (formerly Invitae), Labcorp
Classification: Likely benign for POLD1-related polyposis and colorectal cancer syndrome. Last evaluated: 2026-01-26. Review status: criteria provided, single submitter. Criteria: Invitae Variant Classification Sherloc (09022015). Collection method: clinical testing. Allele origin: germline.

GeneDx
Classification: Likely benign. Last evaluated: 2017-07-28. Review status: criteria provided, single submitter. Criteria: GeneDx Variant Classification (06012015). Collection method: clinical testing. Allele origin: germline. Affected: yes.
Comment: This variant is considered likely benign or benign based on one or more of the following criteria: it is a conservative change, it occurs at a poorly conserved position in the protein, it is predicted to be benign by multiple in silico algorithms, and/or has population frequency not consistent with disease.

Ambry Genetics
Classification: Likely benign for Hereditary cancer-predisposing syndrome. Last evaluated: 2016-06-13. Review status: criteria provided, single submitter. Criteria: Ambry Variant Classification Scheme 2023. Collection method: clinical testing. Allele origin: germline.

NM_002691.4(POLD1):c.2757C>T (p.Gly919=)

Gene: POLD1 (DNA polymerase delta 1, catalytic subunit; plus strand). Cytogenetic location: 19q13.33.
Variant type: single nucleotide variant.
Coding change: c.2757C>T on transcript NM_002691.4 (MANE Select); coding-DNA position 2757, C replaced by T.
Protein change: p.Gly919=; no amino-acid change (glycine 919 retained).
Molecular consequence: synonymous variant.
Genome position (GRCh38, 1-based): chr19:50,415,763, C>T. VCF-style: chr19-50415763-C-T. GRCh37 (hg19) VCF-style: chr19-50919020-C-T.
Other names: c.2835C>T, p.Gly945= (LRG_785t2, NM_001308632.1); c.2757C>T, p.Gly919= (LRG_785t1, NM_001256849.1).
Identifiers: ClinVar variation 392865 (VCV000392865.16), dbSNP rs757406292, ClinGen allele CA9596650.